The following is an entry in ClinVar:

ClinVar aggregate classification (germline): Likely pathogenic (1 of 4 stars; one submission).

gnomAD v4.1: 3 of 1,614,102 alleles (0.00019%); highest among the groups gnomAD compares: Non-Finnish European, 0.00025%; no homozygotes.

Submission:

Labcorp Genetics (formerly Invitae), Labcorp
Classification: Likely pathogenic. Last evaluated: 2022-03-11. Review status: criteria provided, single submitter. Criteria: Invitae Variant Classification Sherloc (09022015). Collection method: clinical testing. Allele origin: germline.
Comment: In summary, the currently available evidence indicates that the variant is pathogenic, but additional data are needed to prove that conclusively. Therefore, this variant has been classified as Likely Pathogenic. Algorithms developed to predict the effect of sequence changes on RNA splicing suggest that this variant may disrupt the consensus splice site. Disruption of this splice site has been observed in individual(s) with chorea-acanthocytosis (PMID: 12404112). This variant is not present in population databases (gnomAD no frequency). This sequence change affects a donor splice site in intron 65 of the VPS13A gene. It is expected to disrupt RNA splicing. Variants that disrupt the donor or acceptor splice site typically lead to a loss of protein function (PMID: 16199547), and loss-of-function variants in VPS13A are known to be pathogenic (PMID: 12404112, 21598378).

Literature cited by the submitters: PubMed 12404112; PubMed 16199547; PubMed 21598378.

NM_033305.3(VPS13A):c.8907+2T>C

Gene: VPS13A (vacuolar protein sorting 13 homolog A; plus strand). Cytogenetic location: 9q21.2.
Variant type: single nucleotide variant.
Coding change: c.8907+2T>C on transcript NM_033305.3 (MANE Select); the canonical splice donor site of the intron after coding-DNA position 8907, T replaced by C.
Molecular consequence: splice donor variant.
Genome position (GRCh38, 1-based): chr9:77,370,580, T>C. VCF-style: chr9-77370580-T-C. GRCh37 (hg19) VCF-style: chr9-79985496-T-C.
Other names: c.8790+2T>C (NM_001018037.2); c.8907+2T>C (NM_015186.4, NM_001018038.3).
Identifiers: ClinVar variation 2102260 (VCV002102260.4), dbSNP rs1479800564, ClinGen allele CA373868219.